The following is an entry in ClinVar:

ClinVar aggregate classification (germline): Likely benign. Review status: reviewed by expert panel (3 of 4 stars). 3 submissions from 3 submitters: Likely benign (1). 2 of the submissions do not count toward it. Last evaluated 2023-02-20.

Conditions:
Angelman syndrome-like. Identifiers: MedGen CN128785.
Developmental and epileptic encephalopathy, 2 (DEE2). Also called: INFANTILE SPASM SYNDROME, X-LINKED 2; CDKL5 deficiency disorder. Identifiers: Orphanet 1934, Orphanet 3451, Orphanet 505652, MedGen C4750718, MONDO:0010396, OMIM 300672.
CDKL5 disorder. Identifiers: MedGen CN296942, MONDO:0100039.
Inborn genetic diseases. Identifiers: MedGen C0950123, MeSH D030342.

Allele frequency attached by ClinVar (database versions not stated): TOPMed 0.00004; gnomAD 0.00005; gnomAD exomes 0.00001 and 0.00005.
gnomAD v4.1: 55 of 1,210,029 alleles (0.0045%); highest among the groups gnomAD compares: African/African-American, 0.011%; no homozygotes.

Submissions (3):

ClinGen Rett and Angelman-like Disorders Variant Curation Expert Panel
Classification: Likely benign for CDKL5 disorder. Last evaluated: 2023-02-20. Review status: reviewed by expert panel. Criteria: ClinGen RettAS ACMG Specifications V2. Collection method: curation. Allele origin: germline. Inheritance: X-linked inheritance.
Comment: RS1(NM_000330.4) and an alternative transcript of CDKL5 (NM_003159.2) are overlapping transcripts; however, these variants are in the noncoding 3' region of the main CDKL5 transcript (NM_001323289.2). The c.2783C>T (p.Thr928Met) variant in CDKL5 transcript (NM_003159.2) (RS1 c.326+1115G>A) is 0.0188% in African sub population in gnomAD, which is high enough to be classified as likely benign based on thresholds defined by the ClinGen Rett/Angelman-like Expert Panel for Rett/AS-like conditions (BS1). Computational analysis prediction tools suggest that the p.Thr928Met variant does not have a deleterious impact; however this information does not predict clinical significance on its own (BP4). Additionally, the p.Thr928Met variant is observed in at least 1 unaffected individual (PMID: 31209962) (BS2_supporting). In summary, the p.Thr928Met variant in CDKL5 (NM_003159.2) is classified as likely benign based on the ACMG/AMP criteria (BS1, BP4, BS2_supporting).

Labcorp Genetics (formerly Invitae), Labcorp
Classification: Likely benign for Developmental and epileptic encephalopathy, 2; Angelman syndrome-like. Last evaluated: 2024-04-12. Review status: criteria provided, single submitter. Criteria: Invitae Variant Classification Sherloc (09022015). Collection method: clinical testing. Allele origin: germline. Not counted in ClinVar's aggregate classification.

Ambry Genetics
Classification: Likely benign for Inborn genetic diseases. Last evaluated: 2016-08-29. Review status: criteria provided, single submitter. Criteria: Ambry Variant Classification Scheme 2023. Collection method: clinical testing. Allele origin: germline. Not counted in ClinVar's aggregate classification.

NM_003159.3(CDKL5):c.2783C>T (p.Thr928Met)

Genes: CDKL5 (cyclin dependent kinase like 5; plus strand), RS1 (retinoschisin 1; minus strand). Cytogenetic location: Xp22.13.
Variant type: single nucleotide variant.
Coding change: c.2783C>T on transcript NM_003159.3; coding-DNA position 2783, C replaced by T.
Protein change: p.Thr928Met; replaces threonine 928 with methionine.
Molecular consequence: missense variant. On other transcripts: intron variant (1).
Genome position (GRCh38, 1-based): chrX:18,646,076, C>T. VCF-style: chrX-18646076-C-T. GRCh37 (hg19) VCF-style: chrX-18664196-C-T.
Other names: c.2783C>T, p.Thr928Met (NM_001037343.2); c.326+1115G>A (NM_000330.4); short protein forms T928M.
Identifiers: ClinVar variation 464817 (VCV000464817.16), dbSNP rs951430019, ClinGen allele CA327012012.